The following is an entry in ClinVar:

NM_002778.4(PSAP):c.*891G>A

Gene: PSAP (prosaposin; minus strand). Cytogenetic location: 10q22.1.
Variant type: single nucleotide variant.
Coding change: c.*891G>A on transcript NM_002778.4 (MANE Select); 891 bases downstream of the stop codon, G replaced by A.
Molecular consequence: 3 prime UTR variant.
Genome position (GRCh38, 1-based): chr10:71,816,550, C>T on the plus strand (G>A on the coding strand, the complement: PSAP is on the minus strand). VCF-style: chr10-71816550-C-T. GRCh37 (hg19) VCF-style: chr10-73576307-C-T.
Other names: c.*891G>A (NM_001042465.3, NM_001042466.3).
Identifiers: ClinVar variation 300498 (VCV000300498.8), dbSNP rs7869, ClinGen allele CA10632053.
Genomic context (GRCh38, chr10:71,816,550, plus strand): 5'-CACACCCAGCAGACCCTTCGGCATGCCGCCCTCTACCAGGAAGCCAGAGGCCTAGGAGCT[C>T]GCCATCCATATTTATTTGAAAAGGTCAAAAGGAGCATCTATGAGACAAGGGAGGGGTGCA-3'

ClinVar aggregate classification (germline): Benign/Likely benign. Review status: criteria provided, multiple submitters, no conflicts (2 of 4 stars). 6 submissions from 3 submitters: Benign (5); Likely benign (1). Last evaluated 2021-05-14.

Conditions:
Krabbe disease due to saposin A deficiency. Also called: Saposin A Deficiency; KRABBE DISEASE, ATYPICAL, DUE TO SAPOSIN A DEFICIENCY. Identifiers: Orphanet 487, MedGen C2673266, MONDO:0012720, OMIM 611722.
Combined PSAP deficiency (PSAPD). Also called: COMBINED SAP DEFICIENCY; PROSAPOSIN DEFICIENCY; Encephalopathy due to prosaposin deficiency. Identifiers: Orphanet 139406, MedGen C2673635, MONDO:0012719, OMIM 611721.
Gaucher disease due to saposin C deficiency. Also called: Atypical Gaucher disease due to saposin C deficiency; Saposin C Deficiency. Identifiers: Orphanet 309252, Orphanet 355, MedGen C1864651, MONDO:0012517, OMIM 610539.
Sphingolipid activator protein 1 deficiency. Also called: Saposin B Deficiency; METACHROMATIC LEUKODYSTROPHY DUE TO CEREBROSIDE SULFATASE ACTIVATOR DEFICIENCY; Metachromatic leukodystrophy due to saposin B deficiency. Identifiers: Orphanet 512, MedGen C0268262, MONDO:0009590, OMIM 249900.

Allele frequency attached by ClinVar (database versions not stated): gnomAD exomes 0.30328; gnomAD 0.34198 and 0.34207; TOPMed 0.35303; 1000 Genomes Project 0.40395; 1000 Genomes Project 30x 0.40506.
gnomAD v4.1: 140,023 of 442,896 alleles (32%); highest among the groups gnomAD compares: East Asian, 63%; 24,052 homozygotes.

Submissions (6):

GeneDx
Classification: Benign. Last evaluated: 2021-05-14. Review status: criteria provided, single submitter. Criteria: GeneDx Variant Classification Process June 2021. Collection method: clinical testing. Allele origin: germline. Affected: yes.

Illumina Laboratory Services, Illumina
Classification: Benign for Krabbe disease due to saposin A deficiency. Last evaluated: 2018-01-13. Review status: criteria provided, single submitter. Criteria: ICSL Variant Classification Criteria 13 December 2019. Collection method: clinical testing. Allele origin: germline.
Comment: This variant was observed in the ICSL laboratory as part of a predisposition screen in an ostensibly healthy population. It had not been previously curated by ICSL or reported in the Human Gene Mutation Database (HGMD: prior to June 1st, 2018), and was therefore a candidate for classification through an automated scoring system. Utilizing variant allele frequency, disease prevalence and penetrance estimates, and inheritance mode, an automated score was calculated to assess if this variant is too frequent to cause the disease. Based on the score and internal cut-off values, a variant classified as benign is not then subjected to further curation. The score for this variant resulted in a classification of benign for this disease.

Illumina Laboratory Services, Illumina
Classification: Benign for Sphingolipid activator protein 1 deficiency. Last evaluated: 2018-01-13. Review status: criteria provided, single submitter. Criteria: ICSL Variant Classification Criteria 13 December 2019. Collection method: clinical testing. Allele origin: germline.
Comment: the same text as in the submission from Illumina Laboratory Services, Illumina above.

Illumina Laboratory Services, Illumina
Classification: Benign for Combined PSAP deficiency. Last evaluated: 2018-01-13. Review status: criteria provided, single submitter. Criteria: ICSL Variant Classification Criteria 13 December 2019. Collection method: clinical testing. Allele origin: germline.
Comment: the same text as in the submission from Illumina Laboratory Services, Illumina above.

Illumina Laboratory Services, Illumina
Classification: Benign for Gaucher disease due to saposin C deficiency. Last evaluated: 2018-01-13. Review status: criteria provided, single submitter. Criteria: ICSL Variant Classification Criteria 13 December 2019. Collection method: clinical testing. Allele origin: germline.
Comment: the same text as in the submission from Illumina Laboratory Services, Illumina above.

Breakthrough Genomics
Classification: Likely benign. Review status: criteria provided, single submitter. Criteria: ACMG Guidelines, 2015. Collection method: not provided. Allele origin: germline. Inheritance: Autosomal recessive inheritance. Affected: yes.